The following is an entry in ClinVar:

ClinVar aggregate classification (germline): Conflicting classifications of pathogenicity. Review status: criteria provided, conflicting classifications (1 of 4 stars). 8 submissions from 8 submitters: Uncertain significance (6); Likely benign (2). Last evaluated 2025-07-10.

Conditions:
Ehlers-Danlos syndrome, classic type, 1 (EDSCL1). Also called: Ehlers-Danlos syndrome, type 1; EHLERS-DANLOS SYNDROME, GRAVIS TYPE; EHLERS-DANLOS SYNDROME, SEVERE CLASSIC TYPE; Ehlers-Danlos Syndrome, Classic Type, COL5A1-Related; EDS I. Identifiers: MedGen C0268335, MONDO:0019567, OMIM 130000.
Ehlers-Danlos syndrome (EDS). Identifiers: Orphanet 98249, MedGen C0013720, MONDO:0020066.
Familial thoracic aortic aneurysm and aortic dissection (TAAD). Also called: Thoracic aortic aneurysms and dissections. Identifiers: Orphanet 91387, MedGen C4707243, MONDO:0019625.

Allele frequency attached by ClinVar (database versions not stated): ExAC 0.00004; gnomAD exomes 0.00006 and 0.00010; gnomAD 0.00007 and 0.00008; ESP Exome Variant Server 0.00008; TOPMed 0.00008.
gnomAD v4.1: 159 of 1,613,640 alleles (0.0099%); highest among the groups gnomAD compares: Non-Finnish European, 0.013%; no homozygotes.

Submissions (8):

Women's Health and Genetics/Laboratory Corporation of America, LabCorp
Classification: Likely benign. Last evaluated: 2025-07-10. Review status: criteria provided, single submitter. Criteria: LabCorp Variant Classification Summary - May 2015. Collection method: clinical testing. Allele origin: germline.
Comment: Variant summary: COL5A1 c.3203T>G (p.Val1068Gly) results in a non-conservative amino acid change in the encoded protein sequence. Algorithms developed to predict the effect of missense changes on protein structure and function all suggest that this variant is likely to be disruptive. Consensus agreement among computation tools predict no significant impact on normal splicing. However, these predictions have yet to be confirmed by functional studies. The variant allele was found at a frequency of 6.4e-05 in 251222 control chromosomes, predominantly at a frequency of 0.00011 within the Non-Finnish European subpopulation in the gnomAD database. The observed variant frequency within Non-Finnish European control individuals in the gnomAD database is approximately 3.52 fold of the estimated maximal expected allele frequency for a pathogenic variant in COL5A1 causing Ehlers-Danlos syndrome, classic type, Ehlers-Danlos syndrome, classic type, 1 phenotype (3.1e-05). To our knowledge, no occurrence of c.3203T>G in individuals affected with Ehlers-Danlos syndrome, classic type, Ehlers-Danlos syndrome, classic type, 1 and no experimental evidence demonstrating its impact on protein function have been reported. ClinVar contains an entry for this variant (Variation ID: 212956). Based on the evidence outlined above, the variant was classified as likely benign.

GeneDx
Classification: Uncertain significance. Last evaluated: 2025-06-18. Review status: criteria provided, single submitter. Criteria: GeneDx Variant Classification Process June 2021. Collection method: clinical testing. Allele origin: germline. Affected: yes.
Comment: Has not been previously published as pathogenic or benign to our knowledge; In silico analysis suggests that this missense variant does not alter protein structure/function; Occurs in the triple helical domain at the Y position in the canonical Gly-X-Y repeat; although this variant may have an effect on normal protein folding and function, missense substitution at the Y position is not a common mechanism of disease (PMID: 22696272; HGMD); This variant is associated with the following publications: (PMID: 22696272)

ARUP Laboratories, Molecular Genetics and Genomics, ARUP Laboratories
Classification: Uncertain significance. Last evaluated: 2025-02-26. Review status: criteria provided, single submitter. Criteria: ARUP Molecular Germline Variant Investigation Process 2024. Collection method: clinical testing. Allele origin: germline.
Comment: The COL5A1 c.3203T>G; p.Val1068Gly variant (rs372109796), to our knowledge, is not reported in the medical literature but is reported in ClinVar (Variation ID: 212956). This variant is found in the general population with an overall allele frequency of 0.006% (17/282566 alleles) in the Genome Aggregation Database (v2.1.1). Computational analyses are uncertain whether this variant is neutral or deleterious (REVEL: 0.472). Due to limited information, the clinical significance of the p.Val1068Gly variant is uncertain at this time.

Blueprint Genetics
Classification: Likely benign. Last evaluated: 2024-09-11. Review status: criteria provided, single submitter. Criteria: ACMG Guidelines, 2015. Collection method: clinical testing. Allele origin: germline.

Labcorp Genetics (formerly Invitae), Labcorp
Classification: Uncertain significance for Ehlers-Danlos syndrome, classic type, 1. Last evaluated: 2023-12-17. Review status: criteria provided, single submitter. Criteria: Invitae Variant Classification Sherloc (09022015). Collection method: clinical testing. Allele origin: germline.
Comment: This sequence change replaces valine, which is neutral and non-polar, with glycine, which is neutral and non-polar, at codon 1068 of the COL5A1 protein (p.Val1068Gly). This variant is present in population databases (rs372109796, gnomAD 0.01%). This missense change has been observed in individual(s) with clinical features of Ehlers-Danlos syndrome (Invitae). ClinVar contains an entry for this variant (Variation ID: 212956). Experimental studies and prediction algorithms are not available or were not evaluated, and the functional significance of this variant is currently unknown. In summary, the available evidence is currently insufficient to determine the role of this variant in disease. Therefore, it has been classified as a Variant of Uncertain Significance.

Ambry Genetics
Classification: Uncertain significance for Familial thoracic aortic aneurysm and aortic dissection. Last evaluated: 2023-05-25. Review status: criteria provided, single submitter. Criteria: Ambry Variant Classification Scheme 2023. Collection method: clinical testing. Allele origin: germline.
Comment: The p.V1068G variant (also known as c.3203T>G), located in coding exon 40 of the COL5A1 gene, results from a T to G substitution at nucleotide position 3203. The valine at codon 1068 is replaced by glycine, an amino acid with dissimilar properties. This amino acid position is well conserved in available vertebrate species. In addition, the in silico prediction for this alteration is inconclusive. Since supporting evidence is limited at this time, the clinical significance of this alteration remains unclear.

PreventionGenetics, part of Exact Sciences
Classification: Uncertain significance. Last evaluated: 2020-02-19. Review status: criteria provided, single submitter. Criteria: ACMG Guidelines, 2015. Collection method: clinical testing. Allele origin: germline.

Genome Diagnostics Laboratory, The Hospital for Sick Children
Classification: Uncertain significance for Ehlers-Danlos syndrome. Last evaluated: 2019-09-01. Review status: criteria provided, single submitter. Criteria: ACMG Guidelines, 2015. Collection method: clinical testing. Allele origin: germline.

NM_000093.5(COL5A1):c.3203T>G (p.Val1068Gly)

Gene: COL5A1 (collagen type V alpha 1 chain; plus strand). Cytogenetic location: 9q34.3.
Variant type: single nucleotide variant.
Coding change: c.3203T>G on transcript NM_000093.5 (MANE Select); coding-DNA position 3203, T replaced by G.
Protein change: p.Val1068Gly; replaces valine 1068 with glycine.
Molecular consequence: missense variant.
Genome position (GRCh38, 1-based): chr9:134,805,063, T>G. VCF-style: chr9-134805063-T-G. GRCh37 (hg19) VCF-style: chr9-137696909-T-G.
Other names: p.V1068G:GTG>GGG; c.3203T>G, p.Val1068Gly (NM_001278074.1); short protein forms V1068G.
Identifiers: ClinVar variation 212956 (VCV000212956.31), dbSNP rs372109796, ClinGen allele CA320945.